The following is an entry in ClinVar:

ClinVar aggregate classification (germline): Conflicting classifications of pathogenicity. Review status: criteria provided, conflicting classifications (1 of 4 stars). 6 submissions from 5 submitters: Pathogenic (1); Likely pathogenic (2); Uncertain significance (2). 1 of the submissions does not count toward it. Last evaluated 2025-08-31.

Conditions:
NUS1-related disorder. Also called: NUS1-related condition; NUS1-Related Disorders. Identifiers: MedGen CN382504, MONDO:1060287.
Intellectual developmental disorder, autosomal dominant 55, with seizures. Also called: MENTAL RETARDATION, AUTOSOMAL DOMINANT 55, WITH SEIZURES; Intellectual disability, autosomal dominant 55, with seizures. Identifiers: MedGen C4693371, MONDO:0030921, OMIM 617831.
Congenital disorder of glycosylation, type Iaa. Also called: Congenital disorder of glycosylation, type 1aa. Identifiers: MedGen C4310727, MONDO:0014904, OMIM 617082.
Congenital disorder of glycosylation (CDG). Also called: Carbohydrate-deficient glycoprotein syndrome; Congenital disorders of glycosylation. Identifiers: Orphanet 137, MedGen C0282577, MONDO:0015286.

Allele frequency attached by ClinVar (database versions not stated): gnomAD exomes below 0.00001.
gnomAD v4.1: 5 of 1,612,288 alleles (0.00031%); highest among the groups gnomAD compares: Admixed American, 0.0017%; no homozygotes.

Submissions (6):

Labcorp Genetics (formerly Invitae), Labcorp
Classification: Uncertain significance for Congenital disorder of glycosylation, type Iaa. Last evaluated: 2025-08-31. Review status: criteria provided, single submitter. Criteria: Invitae Variant Classification Sherloc (09022015). Collection method: clinical testing. Allele origin: germline.
Comment: This sequence change replaces arginine, which is basic and polar, with histidine, which is basic and polar, at codon 290 of the NUS1 protein (p.Arg290His). This variant is present in population databases (no rsID available, gnomAD 0.003%). This missense change has been observed in individual(s) with NUS1-related conditions (PMID: 25066056, 36672771). ClinVar contains an entry for this variant (Variation ID: 253197). An algorithm developed to predict the effect of missense changes on protein structure and function (PolyPhen-2) suggests that this variant is likely to be disruptive. Experimental studies have shown that this missense change affects NUS1 function (PMID: 25066056, 28842490, 34532305). This variant disrupts the p.Arg290 amino acid residue in NUS1. Other variant(s) that disrupt this residue have been determined to be pathogenic (PMID: 35949226; internal data). This suggests that this residue is clinically significant, and that variants that disrupt this residue are likely to be disease-causing. In summary, the available evidence is currently insufficient to determine the role of this variant in disease. Therefore, it has been classified as a Variant of Uncertain Significance.

Women's Health and Genetics/Laboratory Corporation of America, LabCorp
Classification: Likely pathogenic for NUS1-Related Disorders. Last evaluated: 2024-06-20. Review status: criteria provided, single submitter. Criteria: LabCorp Variant Classification Summary - May 2015. Collection method: clinical testing. Allele origin: germline.
Comment: Variant summary: NUS1 c.869G>A (p.Arg290His) results in a non-conservative amino acid change in the encoded protein sequence. Four of five in-silico tools predict a damaging effect of the variant on protein function. The variant allele was found at a frequency of 4e-06 in 250746 control chromosomes (gnomAD). c.869G>A has been reported in the literature in multiple homozygous individuals affected with NUS1-Related Disorders (Park_2014, Halfmeyer_2022). These data indicate that the variant is likely to be associated with disease. Publications also reported experimental evidence demonstrating decreased enzyme function in patient derived cells (Park_2014), as well as in an in vitro expression system (Grabinska_2017). The following publications have been ascertained in the context of this evaluation (PMID: 25066056, 36672771, 28842490). ClinVar contains an entry for this variant (Variation ID: 253197). Based on the evidence outlined above, the variant was classified as likely pathogenic.

MGZ Medical Genetics Center
Classification: Likely pathogenic for Congenital disorder of glycosylation, type Iaa. Last evaluated: 2022-08-02. Review status: criteria provided, single submitter. Criteria: ACMG Guidelines, 2015. Collection method: clinical testing. Allele origin: germline. Affected: yes. Observed: 2 variant alleles.
Comment: ACMG criteria applied: PP1_STR, PM3, PS3_SUP, PS4_SUP, PM2_SUP

Institute of Human Genetics, University of Leipzig Medical Center
Classification: Pathogenic for Congenital disorder of glycosylation. Last evaluated: 2019-01-01. Review status: criteria provided, single submitter. Criteria: ACMG Guidelines, 2015. Collection method: clinical testing. Allele origin: unknown. Affected: no.

Institute of Human Genetics, University of Leipzig Medical Center
Classification: Uncertain significance for Intellectual developmental disorder, autosomal dominant 55, with seizures. Last evaluated: 2018-02-06. Review status: criteria provided, single submitter. Criteria: ACMG Guidelines, 2015. Collection method: clinical testing. Allele origin: germline. Affected: yes. Observed: 1 variant allele.

OMIM
Classification: Pathogenic for CONGENITAL DISORDER OF GLYCOSYLATION, TYPE Iaa (1 family). Last evaluated: 2021-10-20. Review status: no assertion criteria provided. Collection method: literature only. Allele origin: germline. Not counted in ClinVar's aggregate classification.

Literature cited by the submitters: PubMed 25066056 (cited by 3 submitters); PubMed 36672771 (cited by Labcorp Genetics (formerly Invitae), Labcorp and Women's Health and Genetics/Laboratory Corporation of America, LabCorp); PubMed 28842490 (cited by Labcorp Genetics (formerly Invitae), Labcorp and Women's Health and Genetics/Laboratory Corporation of America, LabCorp); PubMed 34532305 (cited by Labcorp Genetics (formerly Invitae), Labcorp); PubMed 35949226 (cited by Labcorp Genetics (formerly Invitae), Labcorp).

NM_138459.5(NUS1):c.869G>A (p.Arg290His)

Gene: NUS1 (NUS1 dehydrodolichyl diphosphate synthase subunit; plus strand). Cytogenetic location: 6q22.1.
Variant type: single nucleotide variant.
Coding change: c.869G>A on transcript NM_138459.5 (MANE Select); coding-DNA position 869, G replaced by A.
Protein change: p.Arg290His; replaces arginine 290 with histidine.
Molecular consequence: missense variant.
Genome position (GRCh38, 1-based): chr6:117,707,002, G>A. VCF-style: chr6-117707002-G-A. GRCh37 (hg19) VCF-style: chr6-118028165-G-A.
Other names: short protein forms R290H.
Identifiers: ClinVar variation 253197 (VCV000253197.20), dbSNP rs886037858, ClinGen allele CA10586234.